The following is an entry in ClinVar:

ClinVar aggregate classification (germline): Pathogenic/Likely pathogenic. Review status: criteria provided, multiple submitters, no conflicts (2 of 4 stars). 3 submissions from 3 submitters: Pathogenic (2); Likely pathogenic (1). Last evaluated 2023-12-12.

Conditions:
Bardet-Biedl syndrome (BBS). Identifiers: Orphanet 110, MedGen C0752166, MONDO:0015229.
Bardet-Biedl syndrome 4 (BBS4). Identifiers: Orphanet 110, MedGen C2936864, MONDO:0014433, OMIM 615982.

Submissions (3):

Labcorp Genetics (formerly Invitae), Labcorp
Classification: Pathogenic for Bardet-Biedl syndrome. Last evaluated: 2023-12-12. Review status: criteria provided, single submitter. Criteria: Invitae Variant Classification Sherloc (09022015). Collection method: clinical testing. Allele origin: germline.
Comment: This sequence change creates a premature translational stop signal (p.Val440Lysfs*28) in the BBS4 gene. It is expected to result in an absent or disrupted protein product. Loss-of-function variants in BBS4 are known to be pathogenic (PMID: 11381270, 12016587, 20177705, 27894351). This variant is present in population databases (no rsID available, gnomAD 0.006%). This variant has not been reported in the literature in individuals affected with BBS4-related conditions. ClinVar contains an entry for this variant (Variation ID: 1179106). For these reasons, this variant has been classified as Pathogenic.

Baylor Genetics
Classification: Likely pathogenic for Bardet-Biedl syndrome 4. Last evaluated: 2023-04-11. Review status: criteria provided, single submitter. Criteria: ACMG Guidelines, 2015. Collection method: clinical testing. Allele origin: unknown.

Fulgent Genetics
Classification: Pathogenic for Bardet-Biedl syndrome 4. Last evaluated: 2021-06-30. Review status: criteria provided, single submitter. Criteria: ACMG Guidelines, 2015. Collection method: clinical testing. Allele origin: unknown.
Comment: This variant has been detected in individual(s) who were sent for testing of Renasight - kidney gene panel.

Literature cited by the submitters: PubMed 11381270 (cited by Labcorp Genetics (formerly Invitae), Labcorp); PubMed 12016587 (cited by Labcorp Genetics (formerly Invitae), Labcorp); PubMed 20177705 (cited by Labcorp Genetics (formerly Invitae), Labcorp); PubMed 27894351 (cited by Labcorp Genetics (formerly Invitae), Labcorp).

NM_033028.5(BBS4):c.1318_1321del (p.Val440fs)

Gene: BBS4 (Bardet-Biedl syndrome 4; plus strand). Cytogenetic location: 15q24.1.
Variant type: Deletion.
Coding change: c.1318_1321del on transcript NM_033028.5 (MANE Select); coding-DNA positions 1318 to 1321, 4 bases deleted (GTTA; older notation c.1318_1321delGTTA).
Protein change: p.Val440fs; shifts the reading frame from valine 440.
Molecular consequence: frameshift variant. On other transcripts: non-coding transcript variant (2).
Genome position (GRCh38, 1-based): chr15:72,736,831-72,736,834, GTTA deleted; deleting any 4 consecutive bases within chr15:72,736,830-72,736,834 gives the same sequence; the c. name uses the placement nearest the transcript's 3' end. VCF-style (leftmost placement, unchanged base first): chr15-72736829-CAGTT-C. GRCh37 (hg19) VCF-style: chr15-73029170-CAGTT-C.
Other names: c.802_805del, p.Val268fs (NM_001252678.2); c.1249_1252del, p.Val417fs (NM_001320665.2); short protein forms V268fs, V417fs, V440fs.
Identifiers: ClinVar variation 1179106 (VCV001179106.8), dbSNP rs1281334523, ClinGen allele CA619410440.